The following is an entry in ClinVar:

ClinVar aggregate classification (germline): Likely pathogenic (1 of 4 stars; one submission).

Conditions:
Combined immunodeficiency due to DOCK8 deficiency (HIES2). Also called: HIES autosomal recessive; Hyper-IgE recurrent infection syndrome, autosomal recessive; HYPER-IgE RECURRENT INFECTION SYNDROME 2, AUTOSOMAL RECESSIVE; HYPER-IgE SYNDROME 2, AUTOSOMAL RECESSIVE, WITH RECURRENT INFECTIONS; DOCK8 Deficiency. Identifiers: Orphanet 217390, MedGen C4722305, MONDO:0009478, OMIM 243700.

Submission:

Next Generation Genetic Polyclinic
Classification: Likely pathogenic for Combined immunodeficiency due to DOCK8 deficiency. Last evaluated: 2025-03-16. Review status: criteria provided, single submitter. Criteria: ACMG Guidelines, 2015. Collection method: curation. Allele origin: germline. Affected: yes. Observed: 1 variant allele.
Comment: Large homozygous deletion of exons 15–22 in DOCK8 gene (g.370230_386331del), confirmed to remove critical coding regions and likely abolish normal protein function. Loss of function in DOCK8 is a well-established mechanism in autosomal recessive Hyper IgE Syndrome (HIES). The deletion is absent in population databases (PM2) and has been reported in affected individuals (PMID: multiple cases). Detected in a homozygous state. Classified as Likely Pathogenic. Meets ACMG criteria: PVS1, PM2, PP4.

NC_000009.12:g.370230_386331del

Gene: DOCK8 (dedicator of cytokinesis 8; plus strand). Cytogenetic location: 9p24.3.
Variant type: Deletion.
Identifiers: ClinVar variation 4071515 (VCV004071515.1).